The following is an entry in ClinVar:

ClinVar aggregate classification (germline): Uncertain significance (1 of 4 stars; one submission).

Submission:

Labcorp Genetics (formerly Invitae), Labcorp
Classification: Uncertain significance. Last evaluated: 2025-09-02. Review status: criteria provided, single submitter. Criteria: Invitae Variant Classification Sherloc (09022015). Collection method: clinical testing. Allele origin: germline.
Comment: This sequence change replaces isoleucine, which is neutral and non-polar, with methionine, which is neutral and non-polar, at codon 664 of the CTNNA1 protein (p.Ile664Met). This variant is not present in population databases (gnomAD no frequency). This variant has not been reported in the literature in individuals affected with CTNNA1-related conditions. An algorithm developed to predict the effect of missense changes on protein structure and function (PolyPhen-2) suggests that this variant is likely to be tolerated. In summary, the available evidence is currently insufficient to determine the role of this variant in disease. Therefore, it has been classified as a Variant of Uncertain Significance.

NM_001903.5(CTNNA1):c.1992A>G (p.Ile664Met)

Gene: CTNNA1 (catenin alpha 1; plus strand). Cytogenetic location: 5q31.2.
Variant type: single nucleotide variant.
Coding change: c.1992A>G on transcript NM_001903.5 (MANE Select); coding-DNA position 1992, A replaced by G.
Protein change: p.Ile664Met; replaces isoleucine 664 with methionine.
Molecular consequence: missense variant.
Genome position (GRCh38, 1-based): chr5:138,929,338, A>G. VCF-style: chr5-138929338-A-G. GRCh37 (hg19) VCF-style: chr5-138265027-A-G.
Other names: c.1992A>G, p.Ile664Met (NM_001290307.3, NM_001323982.2, NM_001323983.1 and 2 more transcripts); c.1683A>G, p.Ile561Met (NM_001290309.3); c.1623A>G, p.Ile541Met (NM_001290310.3); c.882A>G, p.Ile294Met (NM_001290312.1, NM_001323987.1, NM_001323988.1 and 17 more transcripts); c.1899A>G, p.Ile633Met (NM_001323986.2); c.543A>G, p.Ile181Met (NM_001324006.1, NM_001324007.1, NM_001324008.1 and 2 more transcripts); c.789A>G, p.Ile263Met (NM_001324011.1); c.639A>G, p.Ile213Met (NM_001324012.1, NM_001324013.1); short protein forms I181M, I213M, I263M, I294M, I664M, I541M, I633M, I561M.
Identifiers: ClinVar variation 4726440 (VCV004726440.1).
Genomic context (GRCh38, chr5:138,929,338, plus strand): 5'-GACAGAAGATTTTGATGTCAGAAGCAGGACGAGCGTCCAGACAGAAGACGATCAGCTGAT[A>G]GCTGGCCAGAGTGCCCGGGTAAGGAAGCGCTCCGTGGGGCAGTTCAGCTTGTGCTGCCGA-3'
Protein context (NP_001894.2, residues 654-674): TSVQTEDDQL[Ile664Met]AGQSARAIMA